The following is an entry in ClinVar:

NM_005911.6(MAT2A):c.1049A>T (p.Lys350Met)

Genes: GGCX (gamma-glutamyl carboxylase; minus strand), MAT2A (methionine adenosyltransferase 2A; plus strand). Cytogenetic location: 2p11.2.
Variant type: single nucleotide variant.
Coding change: c.1049A>T on transcript NM_005911.6 (MANE Select); coding-DNA position 1049, A replaced by T.
Protein change: p.Lys350Met; replaces lysine 350 with methionine.
Molecular consequence: missense variant.
Genome position (GRCh38, 1-based): chr2:85,542,998, A>T. VCF-style: chr2-85542998-A-T. GRCh37 (hg19) VCF-style: chr2-85770121-A-T.
Other names: short protein forms K350M.
Identifiers: ClinVar variation 661889 (VCV000661889.11), dbSNP rs371262419, ClinGen allele CA1741549.

ClinVar aggregate classification (germline): Uncertain significance. Review status: criteria provided, multiple submitters, no conflicts (2 of 4 stars). 2 submissions from 2 submitters: Uncertain significance (2). Last evaluated 2025-11-24.

Conditions:
Familial thoracic aortic aneurysm and aortic dissection (TAAD). Also called: Thoracic aortic aneurysms and dissections. Identifiers: Orphanet 91387, MedGen C4707243, MONDO:0019625.
Cardiovascular phenotype. Identifiers: MedGen CN230736.

Allele frequency attached by ClinVar (database versions not stated): gnomAD 0.00001; ExAC 0.00002; gnomAD exomes 0.00002; ESP Exome Variant Server 0.00008.
gnomAD v4.1: 14 of 1,613,278 alleles (0.00087%); highest among the groups gnomAD compares: Non-Finnish European, 0.0012%; no homozygotes.

Submissions (2):

Labcorp Genetics (formerly Invitae), Labcorp
Classification: Uncertain significance for Familial thoracic aortic aneurysm and aortic dissection. Last evaluated: 2025-11-24. Review status: criteria provided, single submitter. Criteria: Invitae Variant Classification Sherloc (09022015). Collection method: clinical testing. Allele origin: germline.
Comment: This sequence change replaces lysine, which is basic and polar, with methionine, which is neutral and non-polar, at codon 350 of the MAT2A protein (p.Lys350Met). This variant is present in population databases (rs371262419, gnomAD 0.004%). This variant has not been reported in the literature in individuals affected with MAT2A-related conditions. ClinVar contains an entry for this variant (Variation ID: 661889). Invitae Evidence Modeling of protein sequence and biophysical properties (such as structural, functional, and spatial information, amino acid conservation, physicochemical variation, residue mobility, and thermodynamic stability) indicates that this missense variant is not expected to disrupt MAT2A protein function with a negative predictive value of 80%. In summary, the available evidence is currently insufficient to determine the role of this variant in disease. Therefore, it has been classified as a Variant of Uncertain Significance.

Ambry Genetics
Classification: Uncertain significance for Cardiovascular phenotype. Last evaluated: 2025-07-12. Review status: criteria provided, single submitter. Criteria: Ambry Variant Classification Scheme 2023. Collection method: clinical testing. Allele origin: germline.
Comment: The p.K350M variant (also known as c.1049A>T), located in coding exon 8 of the MAT2A gene, results from an A to T substitution at nucleotide position 1049. The lysine at codon 350 is replaced by methionine, an amino acid with similar properties. This amino acid position is conserved. In addition, the in silico prediction for this alteration is inconclusive. Since supporting evidence is limited at this time, the clinical significance of this alteration remains unclear.